The following is an entry in ClinVar:

NM_182961.4(SYNE1):c.8593C>G (p.Arg2865Gly)

Genes: SYNE1 (spectrin repeat containing nuclear envelope protein 1; minus strand), LOC126859838 (CDK7 strongly-dependent group 2 enhancer GRCh37_chr6:152706655-152707854; plus strand). Cytogenetic location: 6q25.2.
Variant type: single nucleotide variant.
Coding change: c.8593C>G on transcript NM_182961.4 (MANE Select); coding-DNA position 8593, C replaced by G.
Protein change: p.Arg2865Gly; replaces arginine 2865 with glycine.
Molecular consequence: missense variant.
Genome position (GRCh38, 1-based): chr6:152,385,733, G>C on the plus strand (C>G on the coding strand, the complement: SYNE1 is on the minus strand). VCF-style: chr6-152385733-G-C. GRCh37 (hg19) VCF-style: chr6-152706868-G-C.
Other names: c.8614C>G, p.Arg2872Gly (NM_033071.5); short protein forms R2865G, R2872G.
Identifiers: ClinVar variation 1484510 (VCV001484510.7), dbSNP rs757720748, ClinGen allele CA4057510.

ClinVar aggregate classification (germline): Uncertain significance. Review status: criteria provided, multiple submitters, no conflicts (2 of 4 stars). 2 submissions from 2 submitters: Uncertain significance (2). Last evaluated 2022-08-31.

Conditions:
Autosomal recessive ataxia, Beauce type. Also called: SYNE1-Related Autosomal Recessive Cerebellar Ataxia; Spinocerebellar ataxia, autosomal recessive 8; ATAXIA, RECESSIVE, OF BEAUCE; SYNE1 Deficiency. Identifiers: Orphanet 88644, MedGen C1853116, MONDO:0012549, OMIM 610743.
Emery-Dreifuss muscular dystrophy 4, autosomal dominant (EDMD4). Also called: EMERY-DREIFUSS MUSCULAR DYSTROPHY 4 WITH VARIABLE FEATURES. Identifiers: Orphanet 261, MedGen C2751807, MONDO:0013071, OMIM 612998.

gnomAD v4.1: 11 of 1,613,954 alleles (0.00068%); highest among the groups gnomAD compares: South Asian, 0.0033%; 1 homozygote.

Submissions (2):

Athena Diagnostics
Classification: Uncertain significance. Last evaluated: 2022-08-31. Review status: criteria provided, single submitter. Criteria: Athena Diagnostics Criteria. Collection method: clinical testing. Allele origin: unknown.

Labcorp Genetics (formerly Invitae), Labcorp
Classification: Uncertain significance for Emery-Dreifuss muscular dystrophy 4, autosomal dominant; Autosomal recessive ataxia, Beauce type. Last evaluated: 2021-11-05. Review status: criteria provided, single submitter. Criteria: Invitae Variant Classification Sherloc (09022015). Collection method: clinical testing. Allele origin: germline.
Comment: In summary, the available evidence is currently insufficient to determine the role of this variant in disease. Therefore, it has been classified as a Variant of Uncertain Significance. Algorithms developed to predict the effect of missense changes on protein structure and function (SIFT, PolyPhen-2, Align-GVGD) all suggest that this variant is likely to be disruptive. This variant has not been reported in the literature in individuals affected with SYNE1-related conditions. This variant is present in population databases (rs757720748, gnomAD 0.003%). This sequence change replaces arginine, which is basic and polar, with glycine, which is neutral and non-polar, at codon 2872 of the SYNE1 protein (p.Arg2872Gly).